The following is an entry in ClinVar:

ClinVar aggregate classification (germline): Uncertain significance. Review status: criteria provided, multiple submitters, no conflicts (2 of 4 stars). 2 submissions from 2 submitters: Uncertain significance (2). Last evaluated 2026-01-18.

Conditions:
Gastrointestinal stromal tumor. Also called: Gastrointestinal stromal tumor, somatic; Gastrointestinal stroma tumor. Identifiers: Orphanet 44890, MedGen C0238198, MeSH D046152, MONDO:0011719, OMIM 606764, HP:0100723.
Hereditary cancer-predisposing syndrome. Also called: Neoplastic Syndromes, Hereditary; Tumor predisposition; Hereditary Cancer Syndrome; Hereditary neoplastic syndrome. Identifiers: Orphanet 140162, MedGen C0027672, MeSH D009386, MONDO:0015356.

gnomAD v4.1: 3 of 1,613,988 alleles (0.00019%); highest among the groups gnomAD compares: Non-Finnish European, 0.00017%; no homozygotes.

Submissions (2):

Labcorp Genetics (formerly Invitae), Labcorp
Classification: Uncertain significance for Gastrointestinal stromal tumor. Last evaluated: 2026-01-18. Review status: criteria provided, single submitter. Criteria: Invitae Variant Classification Sherloc (09022015). Collection method: clinical testing. Allele origin: germline.
Comment: This sequence change replaces tyrosine, which is neutral and polar, with cysteine, which is neutral and slightly polar, at codon 568 of the KIT protein (p.Tyr568Cys). This variant is present in population databases (no rsID available, gnomAD 0.01%). This variant has not been reported in the literature in individuals affected with KIT-related conditions. ClinVar contains an entry for this variant (Variation ID: 3622650). An algorithm developed to predict the effect of missense changes on protein structure and function (PolyPhen-2) suggests that this variant is likely to be disruptive. In summary, the available evidence is currently insufficient to determine the role of this variant in disease. Therefore, it has been classified as a Variant of Uncertain Significance.

Ambry Genetics
Classification: Uncertain significance for Hereditary cancer-predisposing syndrome. Last evaluated: 2025-05-27. Review status: criteria provided, single submitter. Criteria: Ambry Variant Classification Scheme 2023. Collection method: clinical testing. Allele origin: germline.
Comment: The p.Y568C variant (also known as c.1703A>G), located in coding exon 11 of the KIT gene, results from an A to G substitution at nucleotide position 1703. The tyrosine at codon 568 is replaced by cysteine, an amino acid with highly dissimilar properties. This amino acid position is highly conserved in available vertebrate species. In addition, this alteration is predicted to be deleterious by in silico analysis. Based on the available evidence, the clinical significance of this variant remains unclear.

NM_000222.3(KIT):c.1703A>G (p.Tyr568Cys)

Gene: KIT (KIT proto-oncogene, receptor tyrosine kinase; plus strand). Cytogenetic location: 4q12.
Variant type: single nucleotide variant.
Coding change: c.1703A>G on transcript NM_000222.3 (MANE Select); coding-DNA position 1703, A replaced by G.
Protein change: p.Tyr568Cys; replaces tyrosine 568 with cysteine.
Molecular consequence: missense variant.
Genome position (GRCh38, 1-based): chr4:54,727,471, A>G. VCF-style: chr4-54727471-A-G. GRCh37 (hg19) VCF-style: chr4-55593637-A-G.
Other names: c.1691A>G, p.Tyr564Cys (NM_001093772.2, NM_001385286.1); c.1706A>G, p.Tyr569Cys (NM_001385284.1, NM_001385290.1); c.1703A>G, p.Tyr568Cys (NM_001385285.1); c.1694A>G, p.Tyr565Cys (NM_001385288.1, NM_001385292.1); short protein forms Y564C, Y565C, Y568C, Y569C.
Identifiers: ClinVar variation 3622650 (VCV003622650.3).